The following is an entry in ClinVar:

NM_005236.3(ERCC4):c.520G>A (p.Gly174Ser)

Gene: ERCC4 (ERCC excision repair 4, endonuclease catalytic subunit; plus strand). Cytogenetic location: 16p13.12.
Variant type: single nucleotide variant.
Coding change: c.520G>A on transcript NM_005236.3 (MANE Select); coding-DNA position 520, G replaced by A.
Protein change: p.Gly174Ser; replaces glycine 174 with serine.
Molecular consequence: missense variant.
Genome position (GRCh38, 1-based): chr16:13,926,692, G>A. VCF-style: chr16-13926692-G-A. GRCh37 (hg19) VCF-style: chr16-14020549-G-A.
Other names: short protein forms G174S.
Identifiers: ClinVar variation 2663982 (VCV002663982.1), dbSNP rs775540682, ClinGen allele CA394801498.

ClinVar aggregate classification (germline): Uncertain significance (1 of 4 stars; one submission).

Conditions:
Fanconi anemia complementation group Q. Identifiers: Orphanet 84, MedGen C3808988, MONDO:0014108, OMIM 615272.

Submission:

St. Jude Molecular Pathology, St. Jude Children's Research Hospital
Classification: Uncertain significance for Fanconi anemia complementation group Q. Last evaluated: 2023-11-28. Review status: criteria provided, single submitter. Criteria: St. Jude Assertion Criteria 2020. Collection method: clinical testing. Allele origin: germline.
Comment: The ERCC4 c.520G>A (p.Gly174Ser) missense change is absent in gnomAD v2.1.1. The in silico tool REVEL predicts a deleterious effect on protein function, but this prediction has not been confirmed by functional studies. This variant has not been reported in individuals with Fanconi anemia or xeroderma pigmentosum. In summary, the evidence currently available is insufficient to determine the clinical significance of this variant. It has therefore been classified as of uncertain significance.